The following is an entry in ClinVar:

ClinVar aggregate classification (germline): Uncertain significance (1 of 4 stars; one submission).

Submission:

GeneDx
Classification: Uncertain significance. Last evaluated: 2023-11-01. Review status: criteria provided, single submitter. Criteria: GeneDx Variant Classification Process June 2021. Collection method: clinical testing. Allele origin: germline. Affected: yes.
Comment: Not observed at significant frequency in large population cohorts (gnomAD); Missense variant in a gene in which most reported pathogenic variants are truncating/loss of function; Has not been previously published as pathogenic or benign to our knowledge

NM_001267550.2(TTN):c.30550T>C (p.Ser10184Pro)

Gene: TTN (titin; minus strand). Cytogenetic location: 2q31.2.
Variant type: single nucleotide variant.
Coding change: c.30550T>C on transcript NM_001267550.2 (MANE Select); coding-DNA position 30550, T replaced by C.
Protein change: p.Ser10184Pro; replaces serine 10184 with proline.
Molecular consequence: missense variant. On other transcripts: intron variant (3).
Genome position (GRCh38, 1-based): chr2:178,701,576, A>G on the plus strand (T>C on the coding strand, the complement: TTN is on the minus strand). VCF-style: chr2-178701576-A-G. GRCh37 (hg19) VCF-style: chr2-179566303-A-G.
Other names: c.29599T>C, p.Ser9867Pro (NM_001256850.1); c.26818T>C, p.Ser8940Pro (NM_133378.4); c.13282+36506T>C (NM_003319.4); c.13858+36506T>C (NM_133437.4); c.13657+36506T>C (NM_133432.3); short protein forms S10184P, S8940P, S9867P.
Identifiers: ClinVar variation 3363337 (VCV003363337.1).